The following is an entry in ClinVar:

NM_006446.5(SLCO1B1):c.*575G>A

Gene: SLCO1B1 (solute carrier organic anion transporter family member 1B1; plus strand). Cytogenetic location: 12p12.1.
Variant type: single nucleotide variant.
Coding change: c.*575G>A on transcript NM_006446.5 (MANE Select); 575 bases downstream of the stop codon, G replaced by A.
Molecular consequence: 3 prime UTR variant.
Genome position (GRCh38, 1-based): chr12:21,239,764, G>A. VCF-style: chr12-21239764-G-A. GRCh37 (hg19) VCF-style: chr12-21392698-G-A.
Other names: c.*575G>A (LRG_1022t1).
Identifiers: ClinVar variation 307971 (VCV000307971.5), dbSNP rs61760249, ClinGen allele CA10632412.

ClinVar aggregate classification (germline): Likely benign (1 of 4 stars; one submission).

Conditions:
Rotor syndrome (HBLRR). Also called: HYPERBILIRUBINEMIA, ROTOR TYPE, DIGENIC; HYPERBILIRUBINEMIA, ROTOR TYPE. Identifiers: Orphanet 3111, MedGen C0220991, MONDO:0009379, OMIM 237450.

Allele frequency attached by ClinVar (database versions not stated): 1000 Genomes Project 0.00439; 1000 Genomes Project 30x 0.00468; gnomAD 0.01303.
gnomAD v4.1: 1,484 of 152,262 alleles (0.97%); highest among the groups gnomAD compares: Non-Finnish European, 1.5%; 16 homozygotes.

Submission:

Illumina Laboratory Services, Illumina
Classification: Likely benign for Rotor syndrome. Last evaluated: 2018-01-13. Review status: criteria provided, single submitter. Criteria: ICSL Variant Classification Criteria 13 December 2019. Collection method: clinical testing. Allele origin: germline.
Comment: This variant was observed in the ICSL laboratory as part of a predisposition screen in an ostensibly healthy population. It had not been previously curated by ICSL or reported in the Human Gene Mutation Database (HGMD: prior to June 1st, 2018), and was therefore a candidate for classification through an automated scoring system. Utilizing variant allele frequency, disease prevalence and penetrance estimates, and inheritance mode, an automated score was calculated to assess if this variant is too frequent to cause the disease. Based on the score and internal cut-off values, a variant classified as likely benign is not then subjected to further curation. The score for this variant resulted in a classification of likely benign for this disease.